The following is an entry in ClinVar:

ClinVar aggregate classification (germline): Uncertain significance (1 of 4 stars; one submission).

Conditions:
Emery-Dreifuss muscular dystrophy 5, autosomal dominant (EDMD5). Also called: EMERY-DREIFUSS MUSCULAR DYSTROPHY 5. Identifiers: Orphanet 261, MedGen C2751805, MONDO:0013072, OMIM 612999.

gnomAD v4.1: 3 of 1,614,070 alleles (0.00019%); highest among the groups gnomAD compares: African/African-American, 0.0027%; no homozygotes.

Submission:

Labcorp Genetics (formerly Invitae), Labcorp
Classification: Uncertain significance for Emery-Dreifuss muscular dystrophy 5, autosomal dominant. Last evaluated: 2025-10-01. Review status: criteria provided, single submitter. Criteria: Invitae Variant Classification Sherloc (09022015). Collection method: clinical testing. Allele origin: germline.
Comment: This sequence change replaces serine, which is neutral and polar, with threonine, which is neutral and polar, at codon 4687 of the SYNE2 protein (p.Ser4687Thr). This variant is present in population databases (rs768797732, gnomAD 0.007%). This variant has not been reported in the literature in individuals affected with SYNE2-related conditions. An algorithm developed to predict the effect of missense changes on protein structure and function outputs the following: PolyPhen-2: "Benign". The threonine amino acid residue is found in multiple mammalian species, which suggests that this missense change does not adversely affect protein function. In summary, the available evidence is currently insufficient to determine the role of this variant in disease. Therefore, it has been classified as a Variant of Uncertain Significance.

NM_182914.3(SYNE2):c.14060G>C (p.Ser4687Thr)

Gene: SYNE2 (spectrin repeat containing nuclear envelope protein 2; plus strand). Cytogenetic location: 14q23.2.
Variant type: single nucleotide variant.
Coding change: c.14060G>C on transcript NM_182914.3 (MANE Select); coding-DNA position 14060, G replaced by C.
Protein change: p.Ser4687Thr; replaces serine 4687 with threonine.
Molecular consequence: missense variant.
Genome position (GRCh38, 1-based): chr14:64,129,822, G>C. VCF-style: chr14-64129822-G-C. GRCh37 (hg19) VCF-style: chr14-64596540-G-C.
Other names: c.14060G>C, p.Ser4687Thr (NM_015180.6); short protein forms S4687T.
Identifiers: ClinVar variation 4703672 (VCV004703672.1).